The following is an entry in ClinVar:

NM_018026.4(PACS1):c.1588G>A (p.Asp530Asn)

Gene: PACS1 (phosphofurin acidic cluster sorting protein 1; plus strand). Cytogenetic location: 11q13.2.
Variant type: single nucleotide variant.
Coding change: c.1588G>A on transcript NM_018026.4 (MANE Select); coding-DNA position 1588, G replaced by A.
Protein change: p.Asp530Asn; replaces aspartic acid 530 with asparagine.
Molecular consequence: missense variant.
Genome position (GRCh38, 1-based): chr11:66,230,902, G>A. VCF-style: chr11-66230902-G-A. GRCh37 (hg19) VCF-style: chr11-65998373-G-A.
Other names: short protein forms D530N.
Identifiers: ClinVar variation 1314066 (VCV001314066.6), dbSNP rs780310274, ClinGen allele CA6116609.

ClinVar aggregate classification (germline): Conflicting classifications of pathogenicity. Review status: criteria provided, conflicting classifications (1 of 4 stars). 2 submissions from 2 submitters: Uncertain significance (1); Likely benign (1). Last evaluated 2025-03-06.

Conditions:
Schuurs-Hoeijmakers syndrome. Also called: PACS1-Related Neurodevelopmental Disorder. Identifiers: Orphanet 329224, MedGen C3554343, MONDO:0014006, OMIM 615009.

Allele frequency attached by ClinVar (database versions not stated): gnomAD exomes 0.00001 and 0.00002; gnomAD 0.00001; TOPMed below 0.00001; ExAC 0.00001.

Submissions (2):

Labcorp Genetics (formerly Invitae), Labcorp
Classification: Likely benign for Schuurs-Hoeijmakers syndrome. Last evaluated: 2025-03-06. Review status: criteria provided, single submitter. Criteria: Invitae Variant Classification Sherloc (09022015). Collection method: clinical testing. Allele origin: germline.

GeneDx
Classification: Uncertain significance. Last evaluated: 2021-01-14. Review status: criteria provided, single submitter. Criteria: GeneDx Variant Classification Process June 2021. Collection method: clinical testing. Allele origin: germline. Affected: yes.
Comment: In silico analysis supports that this missense variant has a deleterious effect on protein structure/function; Has not been previously published as pathogenic or benign to our knowledge